The following is an entry in ClinVar:

ClinVar aggregate classification (germline): Pathogenic. Review status: criteria provided, multiple submitters, no conflicts (2 of 4 stars). 2 submissions from 2 submitters: Pathogenic (2). Last evaluated 2025-07-31.

Conditions:
Retinitis pigmentosa 39 (RP39). Identifiers: Orphanet 791, MedGen C3151138, MONDO:0013436, OMIM 613809.

Submissions (2):

Labcorp Genetics (formerly Invitae), Labcorp
Classification: Pathogenic. Last evaluated: 2025-07-31. Review status: criteria provided, single submitter. Criteria: Invitae Variant Classification Sherloc (09022015). Collection method: clinical testing. Allele origin: germline.
Comment: This sequence change creates a premature translational stop signal (p.Ser343Leufs*26) in the USH2A gene. It is expected to result in an absent or disrupted protein product. Loss-of-function variants in USH2A are known to be pathogenic (PMID: 10729113, 10909849, 20507924, 25649381). This variant is present in population databases (no rsID available, gnomAD 0.007%). This premature translational stop signal has been observed in individual(s) with clinical features of Usher syndrome (PMID: 15325563). This variant is also known as c.1012_16delCTCT (L342fs). For these reasons, this variant has been classified as Pathogenic.

Baylor Genetics
Classification: Pathogenic for Retinitis pigmentosa 39. Last evaluated: 2024-01-20. Review status: criteria provided, single submitter. Criteria: ACMG Guidelines, 2015. Collection method: clinical testing. Allele origin: unknown.

Literature cited by the submitters: PubMed 10729113 (cited by Labcorp Genetics (formerly Invitae), Labcorp); PubMed 10909849 (cited by Labcorp Genetics (formerly Invitae), Labcorp); PubMed 20507924 (cited by Labcorp Genetics (formerly Invitae), Labcorp); PubMed 25649381 (cited by Labcorp Genetics (formerly Invitae), Labcorp); PubMed 15325563 (cited by Labcorp Genetics (formerly Invitae), Labcorp).

NM_206933.4(USH2A):c.1026_1029del (p.Ser343fs)

Gene: USH2A (usherin; minus strand). Cytogenetic location: 1q41.
Variant type: Microsatellite.
Coding change: c.1026_1029del on transcript NM_206933.4 (MANE Select); coding-DNA positions 1026 to 1029, 4 bases deleted (CTCT; older notation c.1026_1029delCTCT).
Protein change: p.Ser343fs; shifts the reading frame from serine 343.
Molecular consequence: frameshift variant.
Genome position (GRCh38, 1-based): chr1:216,325,419-216,325,422, AGAG deleted on the plus strand (CTCT on the coding strand, the reverse complement: USH2A is on the minus strand); deleting any 4 consecutive bases within chr1:216,325,419-216,325,426 gives the same sequence; the c. name uses the placement nearest the transcript's 3' end. VCF-style (leftmost placement, unchanged base first): chr1-216325418-AAGAG-A. GRCh37 (hg19) VCF-style: chr1-216498760-AAGAG-A.
Other names: c.1026_1029del, p.Ser343fs (NM_007123.6); short protein forms S343fs.
Identifiers: ClinVar variation 1457186 (VCV001457186.8), dbSNP rs1458938381, ClinGen allele CA529004264.
Genomic context (GRCh38, chr1:216,325,418, plus strand): 5'-GTGTAATGTTTGTAAACACATTTGAAACCCATGAAGTACCAACATCATTATCATTGACAA[AAGAG>A]AGAGGATGGGCTTCAGGATTCAACCGTGACACTCTATTATCAGCTGTGTCTCCTGCATCA-3'